The following is an entry in ClinVar:

NM_001363711.2(DUOX2):c.3819C>T (p.Ser1273=)

Gene: DUOX2 (dual oxidase 2; minus strand). Cytogenetic location: 15q21.1.
Variant type: single nucleotide variant.
Coding change: c.3819C>T on transcript NM_001363711.2 (MANE Select); coding-DNA position 3819, C replaced by T.
Protein change: p.Ser1273=; no amino-acid change (serine 1273 retained).
Molecular consequence: synonymous variant.
Genome position (GRCh38, 1-based): chr15:45,097,266, G>A on the plus strand (C>T on the coding strand, the complement: DUOX2 is on the minus strand). VCF-style: chr15-45097266-G-A. GRCh37 (hg19) VCF-style: chr15-45389464-G-A.
Other names: c.3819C>T, p.Ser1273= (NM_014080.5); c.3819C>T (NM_014080.4).
Identifiers: ClinVar variation 1543504 (VCV001543504.10), dbSNP rs750148604, ClinGen allele CA7537723.

ClinVar aggregate classification (germline): Likely benign. Review status: criteria provided, single submitter (1 of 4 stars). 2 submissions from 2 submitters: Likely benign (1). 1 of the submissions does not count toward it. Last evaluated 2026-01-22.

Conditions:
DUOX2-related disorder. Also called: DUOX2-related condition.

Submissions (2):

Labcorp Genetics (formerly Invitae), Labcorp
Classification: Likely benign. Last evaluated: 2026-01-22. Review status: criteria provided, single submitter. Criteria: Invitae Variant Classification Sherloc (09022015). Collection method: clinical testing. Allele origin: germline.

PreventionGenetics, part of Exact Sciences
Classification: Likely benign for DUOX2-related condition. Last evaluated: 2019-08-09. Review status: no assertion criteria provided. Collection method: clinical testing. Allele origin: germline. Not counted in ClinVar's aggregate classification.
Comment: This variant is classified as likely benign based on ACMG/AMP sequence variant interpretation guidelines (Richards et al. 2015 PMID: 25741868, with internal and published modifications).